The following is an entry in ClinVar:

ClinVar aggregate classification (germline): Uncertain significance. Review status: criteria provided, multiple submitters, no conflicts (2 of 4 stars). 4 submissions from 4 submitters: Uncertain significance (4). Last evaluated 2026-02-17.

Conditions:
Sclerosteosis 2 (SOST2). Identifiers: Orphanet 3152, MedGen C3280402, MONDO:0013679, OMIM 614305.
Cenani-Lenz syndactyly syndrome. Also called: CENANI SYNDACTYLISM; SYNDACTYLY, TYPE VII. Identifiers: Orphanet 3258, MedGen C1859309, MONDO:0008931, OMIM 212780.
Congenital myasthenic syndrome 17. Identifiers: Orphanet 590, MedGen C4225377, MONDO:0014578, OMIM 616304.

Allele frequency attached by ClinVar (database versions not stated): TOPMed 0.00001; ExAC 0.00002; gnomAD exomes 0.00004; gnomAD 0.00006; 1000 Genomes Project 30x 0.00016; 1000 Genomes Project 0.00020.
gnomAD v4.1: 56 of 1,614,182 alleles (0.0035%); highest among the groups gnomAD compares: Non-Finnish European, 0.0044%; no homozygotes.

Submissions (4):

Women's Health and Genetics/Laboratory Corporation of America, LabCorp
Classification: Uncertain significance. Last evaluated: 2026-02-17. Review status: criteria provided, single submitter. Criteria: LabCorp Variant Classification Summary - May 2015. Collection method: clinical testing. Allele origin: germline.
Comment: Variant summary: LRP4 c.826C>T (p.Arg276Cys) results in a non-conservative amino acid change in the encoded protein sequence. Algorithms developed to predict the effect of missense changes on protein structure and function are either unavailable or do not agree on the potential impact of this missense change. The variant allele was found at a frequency of 2e-05 in 251480 control chromosomes. The available data on variant occurrences in the general population are insufficient to allow any conclusion about variant significance. To our knowledge, no occurrence of c.826C>T in individuals affected with LRP4-related conditions and no experimental evidence demonstrating its impact on protein function have been reported. ClinVar contains an entry for this variant (Variation ID: 663838). Based on the evidence outlined above, the variant was classified as uncertain significance.

Fulgent Genetics
Classification: Uncertain significance for Cenani-Lenz syndactyly syndrome; Sclerosteosis 2; Congenital myasthenic syndrome 17. Last evaluated: 2024-06-05. Review status: criteria provided, single submitter. Criteria: ACMG Guidelines, 2015. Collection method: clinical testing. Allele origin: germline.

Labcorp Genetics (formerly Invitae), Labcorp
Classification: Uncertain significance for Cenani-Lenz syndactyly syndrome; Sclerosteosis 2; Congenital myasthenic syndrome 17. Last evaluated: 2021-08-30. Review status: criteria provided, single submitter. Criteria: Invitae Variant Classification Sherloc (09022015). Collection method: clinical testing. Allele origin: germline.
Comment: This sequence change replaces arginine with cysteine at codon 276 of the LRP4 protein (p.Arg276Cys). The arginine residue is highly conserved and there is a large physicochemical difference between arginine and cysteine. This variant is present in population databases (rs557300271, ExAC 0.009%). This variant has not been reported in the literature in individuals affected with LRP4-related conditions. Algorithms developed to predict the effect of missense changes on protein structure and function are either unavailable or do not agree on the potential impact of this missense change (SIFT: "Deleterious"; PolyPhen-2: "Possibly Damaging"; Align-GVGD: "Class C0"). In summary, the available evidence is currently insufficient to determine the role of this variant in disease. Therefore, it has been classified as a Variant of Uncertain Significance.

Illumina Laboratory Services, Illumina
Classification: Uncertain significance for Cenani-Lenz syndactyly syndrome. Last evaluated: 2018-01-13. Review status: criteria provided, single submitter. Criteria: ICSL Variant Classification Criteria 13 December 2019. Collection method: clinical testing. Allele origin: germline.

NM_002334.4(LRP4):c.826C>T (p.Arg276Cys)

Gene: LRP4 (LDL receptor related protein 4; minus strand). Cytogenetic location: 11p11.2.
Variant type: single nucleotide variant.
Coding change: c.826C>T on transcript NM_002334.4 (MANE Select); coding-DNA position 826, C replaced by T.
Protein change: p.Arg276Cys; replaces arginine 276 with cysteine.
Molecular consequence: missense variant.
Genome position (GRCh38, 1-based): chr11:46,896,965, G>A on the plus strand (C>T on the coding strand, the complement: LRP4 is on the minus strand). VCF-style: chr11-46896965-G-A. GRCh37 (hg19) VCF-style: chr11-46918516-G-A.
Other names: short protein forms R276C.
Identifiers: ClinVar variation 663838 (VCV000663838.11), dbSNP rs557300271, ClinGen allele CA5970356.